The following is an entry in ClinVar:

NM_005726.6(TSFM):c.934C>T (p.Arg312Trp)

Gene: TSFM (Ts translation elongation factor, mitochondrial; plus strand). Cytogenetic location: 12q14.1.
Variant type: single nucleotide variant.
Coding change: c.934C>T on transcript NM_005726.6 (MANE Select); coding-DNA position 934, C replaced by T.
Protein change: p.Arg312Trp; replaces arginine 312 with tryptophan.
Molecular consequence: missense variant. On other transcripts: 3 prime UTR variant (1), intron variant (1).
Genome position (GRCh38, 1-based): chr12:57,796,539, C>T. VCF-style: chr12-57796539-C-T. GRCh37 (hg19) VCF-style: chr12-58190322-C-T.
Other names: c.*342C>T (NM_001172695.2); c.997C>T, p.Arg333Trp (NM_001172696.2); c.571+3466C>T (NM_001172697.2); c.934C>T (NM_005726.5); short protein forms R333W, R312W.
Identifiers: ClinVar variation 5379 (VCV000005379.21), dbSNP rs121909485, ClinGen allele CA117470.

ClinVar aggregate classification (germline): Pathogenic/Likely pathogenic. Review status: criteria provided, multiple submitters, no conflicts (2 of 4 stars). 8 submissions from 8 submitters: Pathogenic (6); Likely pathogenic (1). 1 of the submissions does not count toward it. Last evaluated 2025-04-18.

Conditions:
Hypermetabolism due to defect in mitochondria. Identifiers: MedGen C1855926, MONDO:0009391, OMIM 238800.
TSFM-related disorder. Also called: TSFM-related condition.
Inborn genetic diseases. Identifiers: MedGen C0950123, MeSH D030342.
Fatal mitochondrial disease due to combined oxidative phosphorylation defect type 3. Also called: Combined oxidative phosphorylation deficiency 3; ENCEPHALOMYOPATHY, RESPIRATORY FAILURE, AND LACTIC ACIDOSIS. Identifiers: Orphanet 168566, MedGen C1864840, MONDO:0012512, OMIM 610505.

Allele frequency attached by ClinVar (database versions not stated): gnomAD 0.00003 and 0.00004; gnomAD exomes 0.00003; TOPMed 0.00003; ExAC 0.00002.
gnomAD v4.1: 46 of 1,466,820 alleles (0.0031%); highest among the groups gnomAD compares: Middle Eastern, 0.037%; no homozygotes.

Submissions (8):

Natera, Inc.
Classification: Likely pathogenic for Combined oxidative phosphorylation deficiency 3. Last evaluated: 2025-04-18. Review status: criteria provided, single submitter. Criteria: Natera Variant Classification Schema (03/2026). Collection method: clinical testing. Allele origin: germline.
Comment: The c.997C>T variant in TSFM is a missense variant predicted to cause substitution of arginine to tryptophan at amino acid 333. This variant is rare in the general population with a frequency below the threshold expected for the associated phenotype(s). This variant has been observed in one or more individuals affected with the associated recessive disease, as either homozygous or compound heterozygous with a second variant (PMID: 17033963, 22277967, 21741925). Functional studies show that this variant may disrupt protein function (PMID: 17033963). Computational prediction algorithms indicate this variant is likely to affect gene or protein function. Given the available evidence, this variant is classified as Likely Pathogenic.

Labcorp Genetics (formerly Invitae), Labcorp
Classification: Pathogenic. Last evaluated: 2024-09-03. Review status: criteria provided, single submitter. Criteria: Invitae Variant Classification Sherloc (09022015). Collection method: clinical testing. Allele origin: germline.
Comment: This sequence change replaces arginine, which is basic and polar, with tryptophan, which is neutral and slightly polar, at codon 333 of the TSFM protein (p.Arg333Trp). The frequency data for this variant in the population databases is considered unreliable, as metrics indicate poor data quality at this position in the gnomAD database. This missense change has been observed in individual(s) with mitochondrial disorders (PMID: 17033963, 21741925, 22277967). It has also been observed to segregate with disease in related individuals. This variant is also known as p.Arg312Trp. ClinVar contains an entry for this variant (Variation ID: 5379). Invitae Evidence Modeling of protein sequence and biophysical properties (such as structural, functional, and spatial information, amino acid conservation, physicochemical variation, residue mobility, and thermodynamic stability) indicates that this missense variant is expected to disrupt TSFM protein function with a positive predictive value of 80%. Experimental studies have shown that this missense change affects TSFM function (PMID: 20435138). For these reasons, this variant has been classified as Pathogenic.

Women's Health and Genetics/Laboratory Corporation of America, LabCorp
Classification: Pathogenic for Fatal mitochondrial disease due to combined oxidative phosphorylation defect type 3. Last evaluated: 2024-08-16. Review status: criteria provided, single submitter. Criteria: LabCorp Variant Classification Summary - May 2015. Collection method: clinical testing. Allele origin: germline.
Comment: Variant summary: TSFM c.997C>T (p.Arg333Trp) results in a non-conservative amino acid change in the encoded protein sequence. Three of three in-silico tools predict a damaging effect of the variant on protein function. The variant allele was found at a frequency of 3.1e-05 in 1466820 control chromosomes (gnomAD database v4). c.997C>T has been reported in the literature in multiple individuals affected with Combined Oxidative Phosphorylation Deficiency 3 (e.g. Calvo_2012, Smeitink_2006). These data indicate that the variant is very likely to be associated with disease. At least one publication reports experimental evidence evaluating an impact on protein function. The most pronounced variant effect results in decreased protein level and reduction of assembled mitochondrial complexes I, IV and V (Smeitink_2006). The following publications have been ascertained in the context of this evaluation (PMID: 22277967, 17033963). ClinVar contains an entry for this variant (Variation ID: 5379). Based on the evidence outlined above, the variant was classified as pathogenic.

Victorian Clinical Genetics Services, Murdoch Childrens Research Institute
Classification: Pathogenic for Fatal mitochondrial disease due to combined oxidative phosphorylation defect type 3. Last evaluated: 2023-07-16. Review status: criteria provided, single submitter. Criteria: ACMG Guidelines, 2015. Collection method: clinical testing. Allele origin: germline. Inheritance: Autosomal recessive inheritance. Affected: yes.
Comment: Based on the classification scheme VCGS_Germline_v1.3.4, this variant is classified as Pathogenic. Following criteria are met: 0102 - Loss of function is a known mechanism of disease in this gene and is associated with combined oxidative phosphorylation deficiency 3 (COXPD3) (MIM#610505). (I) 0106 - This gene is associated with autosomal recessive disease. (I) 0200 - Variant is predicted to result in a missense amino acid change from arginine to tryptophan. (I) 0251 - This variant is heterozygous. (I) 0304 - Variant is present in gnomAD (v3) <0.01 for a recessive condition (5 heterozygotes, 0 homozygotes). (SP) 0309 - Alternative amino acid changes at the same position have been observed in gnomAD (v2) (3 heterozygotes, 0 homozygotes). (I) 0501 - Missense variant consistently predicted to be damaging by multiple in silico tools or highly conserved with a major amino acid change. (SP) 0604 - Variant is not located in an established domain, motif, hotspot or informative constraint region. (I) 0801 - This variant has strong previous evidence of pathogenicity in unrelated individuals. The variant has previously been reported as pathogenic in a homozygous state in more than five patients with COXPD3 (ClinVar, HGMD, PMID: 17033963, PMID: 31267352). (SP) 1001 - This variant has strong functional evidence supporting abnormal protein function. Functional studies in patient cells demonstrated decreased protein levels as well as a reduction in assembled mitochondrial complexes I, IV and V (PMID: 17033963). (SP) 1208 - Inheritance information for this variant is not currently available in this individual. (I) Legend: (SP) - Supporting pathogenic, (I) - Information, (SB) - Supporting benign

Ambry Genetics
Classification: Pathogenic for Inborn genetic diseases. Last evaluated: 2022-03-14. Review status: criteria provided, single submitter. Criteria: Ambry Variant Classification Scheme 2023. Collection method: clinical testing. Allele origin: germline.
Comment: The c.997C>T (p.R333W) alteration is located in coding exon 7 of the TSFM gene. This alteration results from a C to T substitution at nucleotide position 997, causing the arginine (R) at amino acid position 333 to be replaced by a tryptophan (W). Based on data from the Genome Aggregation Database (gnomAD), the c.997C>T alteration was observed in 0.0015% (3/201,630) total alleles studied, with a frequency of 0.004% (1/23,492) in the African subpopulation. This alteration was reported homozygous in multiple unrelated patients with severe combined oxidative phosphorylation deficiency, born to consanguineous parents (Smeitink, 2006; Smits, 2011; Calvo, 2012; Shamseldin, 2012; Vedrenne, 2012). This amino acid position is highly conserved in available vertebrate species. The p.R333 amino acid is located in an evolutionarily conserved site in a subdomain of EFTs that interacts with EFTu. Molecular modeling predicted that the mutation disrupts local subdomain structure and the dimerization interface (Smeitink, 2006). This alteration is predicted to be deleterious by in silico analysis. Based on the available evidence, this alteration is classified as pathogenic.

AURAGEN, Plan France Médecine Génomique
Classification: Pathogenic for Hypermetabolism due to defect in mitochondria. Last evaluated: 2021-12-09. Review status: criteria provided, single submitter. Criteria: PFMG2025 (Lancet Reg Health Eur. 2025). Collection method: clinical testing. Allele origin: germline. Affected: yes.

Blueprint Genetics
Classification: Pathogenic for TSFM-related disorders. Last evaluated: 2021-04-23. Review status: criteria provided, single submitter. Criteria: ACMG Guidelines, 2015. Collection method: clinical testing. Allele origin: germline. Affected: yes. Observed: 2 variant alleles.

OMIM
Classification: Pathogenic for COMBINED OXIDATIVE PHOSPHORYLATION DEFICIENCY 3. Last evaluated: 2012-04-01. Review status: no assertion criteria provided. Collection method: literature only. Allele origin: germline. Not counted in ClinVar's aggregate classification.

Literature cited by the submitters: PubMed 17033963 (cited by 6 submitters); PubMed 22277967 (cited by 4 submitters); PubMed 21741925 (cited by 3 submitters); PubMed 20435138 (cited by Labcorp Genetics (formerly Invitae), Labcorp and Ambry Genetics); PubMed 31267352 (cited by Victorian Clinical Genetics Services, Murdoch Childrens Research Institute); PubMed 21119709 (cited by Ambry Genetics and OMIM); PubMed 22499341 (cited by Ambry Genetics and OMIM).